The following is an entry in ClinVar:

ClinVar aggregate classification (germline): Uncertain significance (1 of 4 stars; one submission).

gnomAD v4.1: 1 of 1,551,846 alleles (0.000064%); highest among the groups gnomAD compares: Non-Finnish European, 0.000087%; no homozygotes.

Submission:

Labcorp Genetics (formerly Invitae), Labcorp
Classification: Uncertain significance. Last evaluated: 2024-01-19. Review status: criteria provided, single submitter. Criteria: Invitae Variant Classification Sherloc (09022015). Collection method: clinical testing. Allele origin: germline.
Comment: This sequence change replaces glycine, which is neutral and non-polar, with arginine, which is basic and polar, at codon 562 of the LOXHD1 protein (p.Gly562Arg). This variant is not present in population databases (gnomAD no frequency). This variant has not been reported in the literature in individuals affected with LOXHD1-related conditions. ClinVar contains an entry for this variant (Variation ID: 1521433). An algorithm developed to predict the effect of missense changes on protein structure and function (PolyPhen-2) suggests that this variant is likely to be disruptive. In summary, the available evidence is currently insufficient to determine the role of this variant in disease. Therefore, it has been classified as a Variant of Uncertain Significance.

NM_001384474.1(LOXHD1):c.1684G>C (p.Gly562Arg)

Gene: LOXHD1 (lipoxygenase homology PLAT domains 1; minus strand). Cytogenetic location: 18q21.1.
Variant type: single nucleotide variant.
Coding change: c.1684G>C on transcript NM_001384474.1 (MANE Select); coding-DNA position 1684, G replaced by C.
Protein change: p.Gly562Arg; replaces glycine 562 with arginine.
Molecular consequence: missense variant.
Genome position (GRCh38, 1-based): chr18:46,579,755, C>G on the plus strand (G>C on the coding strand, the complement: LOXHD1 is on the minus strand). VCF-style: chr18-46579755-C-G. GRCh37 (hg19) VCF-style: chr18-44159718-C-G.
Other names: c.1684G>C, p.Gly562Arg (NM_144612.7); short protein forms G562R.
Identifiers: ClinVar variation 1521433 (VCV001521433.8), dbSNP rs2144147729, ClinGen allele CA402379124.
Genomic context (GRCh38, chr18:46,579,755, plus strand): 5'-CCACATCACCAAAAAGGCAGAGATAGACGTTGGCATCGGTCCCAGCACCTTCAAGTTCAC[C>G]TGTGCACACAGTCACATGGTACCGGGCCACTGGCAGGCAGAGAGAGGGACATCATTGCTG-3'
Protein context (NP_001371403.1, residues 552-572): MARYHVTVCT[Gly562Arg]ELEGAGTDAN